The following is an entry in ClinVar:

ClinVar aggregate classification (germline): Uncertain significance (1 of 4 stars; one submission).

Conditions:
Neuroblastoma, susceptibility to, 3. Also called: ALK-Related Neuroblastic Tumor Susceptibility. Identifiers: Orphanet 635, MedGen C2751681, MONDO:0013083, OMIM 613014.

Submission:

Labcorp Genetics (formerly Invitae), Labcorp
Classification: Uncertain significance for Neuroblastoma, susceptibility to, 3. Last evaluated: 2019-12-30. Review status: criteria provided, single submitter. Criteria: Invitae Variant Classification Sherloc (09022015). Collection method: clinical testing. Allele origin: germline.
Comment: In summary, the available evidence is currently insufficient to determine the role of this variant in disease. Therefore, it has been classified as a Variant of Uncertain Significance. Algorithms developed to predict the effect of missense changes on protein structure and function are either unavailable or do not agree on the potential impact of this missense change (SIFT: "Deleterious"; PolyPhen-2: "Benign"; Align-GVGD: "Class C0"). This variant has not been reported in the literature in individuals with ALK-related conditions. This variant is not present in population databases (ExAC no frequency). This sequence change replaces alanine with serine at codon 55 of the ALK protein (p.Ala55Ser). The alanine residue is moderately conserved and there is a moderate physicochemical difference between alanine and serine.

NM_004304.5(ALK):c.163G>T (p.Ala55Ser)

Gene: ALK (ALK receptor tyrosine kinase; minus strand). Cytogenetic location: 2p23.1.
Variant type: single nucleotide variant.
Coding change: c.163G>T on transcript NM_004304.5 (MANE Select); coding-DNA position 163, G replaced by T.
Protein change: p.Ala55Ser; replaces alanine 55 with serine.
Molecular consequence: missense variant.
Genome position (GRCh38, 1-based): chr2:29,920,497, C>A on the plus strand (G>T on the coding strand, the complement: ALK is on the minus strand). VCF-style: chr2-29920497-C-A. GRCh37 (hg19) VCF-style: chr2-30143363-C-A.
Other names: short protein forms A55S.
Identifiers: ClinVar variation 857288 (VCV000857288.10), dbSNP rs1268569052, ClinGen allele CA346590573.